The following is an entry in ClinVar:

NM_004385.5(VCAN):c.4292G>A (p.Arg1431His)

Genes: VCAN (versican; plus strand), VCAN-AS1 (VCAN antisense RNA 1; minus strand). Cytogenetic location: 5q14.3.
Variant type: single nucleotide variant.
Coding change: c.4292G>A on transcript NM_004385.5 (MANE Select); coding-DNA position 4292, G replaced by A.
Protein change: p.Arg1431His; replaces arginine 1431 with histidine.
Molecular consequence: missense variant. On other transcripts: intron variant (2).
Genome position (GRCh38, 1-based): chr5:83,537,295, G>A. VCF-style: chr5-83537295-G-A. GRCh37 (hg19) VCF-style: chr5-82833114-G-A.
Other names: c.1331G>A, p.Arg444His (NM_001164097.2); c.4004-8242G>A (NM_001164098.2); c.1043-8242G>A (NM_001126336.3); short protein forms R1431H, R444H.
Identifiers: ClinVar variation 906329 (VCV000906329.15), dbSNP rs747887033, ClinGen allele CA3333146.

ClinVar aggregate classification (germline): Uncertain significance. Review status: criteria provided, multiple submitters, no conflicts (2 of 4 stars). 5 submissions from 4 submitters: Uncertain significance (5). Last evaluated 2026-06-26.

Conditions:
VCAN-related disorder. Also called: VCAN-related condition.
Vitreoretinopathy. Also called: Vitreoretinal degeneration. Identifiers: MedGen C0344290, MONDO:0020248, HP:0007773.
Wagner disease. Also called: Wagner Vitreoretinal Degeneration (Wagner Synrdome); WAGNER SYNDROME 1; HYALOIDEORETINAL DEGENERATION OF WAGNER; Wagner syndrome; WAGNER VITREORETINAL DEGENERATION; WAGNER VITREORETINOPATHY. Identifiers: Orphanet 898, MedGen C1840452, MONDO:0007740, OMIM 143200.

Allele frequency attached by ClinVar (database versions not stated): ExAC 0.00001; gnomAD 0.00001; gnomAD exomes 0.00001 and 0.00002; TOPMed 0.00001.
gnomAD v4.1: 36 of 1,613,964 alleles (0.0022%); highest among the groups gnomAD compares: South Asian, 0.0055%; no homozygotes.

Submissions (5):

PreventionGenetics, part of Exact Sciences
Classification: Uncertain significance for VCAN-related condition. Last evaluated: 2026-06-26. Review status: criteria provided, single submitter. Criteria: ACMG Guidelines, 2015. Collection method: clinical testing. Allele origin: germline.
Comment: The VCAN c.4292G>A variant is predicted to result in the amino acid substitution p.Arg1431His. To our knowledge, this variant has not been reported in the literature. This variant is present in 0.0033% of alleles in individuals of South Asian descent in gnomAD. At this time, the clinical significance of this variant is uncertain due to the absence of conclusive functional and genetic evidence.

Labcorp Genetics (formerly Invitae), Labcorp
Classification: Uncertain significance. Last evaluated: 2025-03-27. Review status: criteria provided, single submitter. Criteria: Invitae Variant Classification Sherloc (09022015). Collection method: clinical testing. Allele origin: germline.
Comment: This sequence change replaces arginine, which is basic and polar, with histidine, which is basic and polar, at codon 1431 of the VCAN protein (p.Arg1431His). This variant is present in population databases (rs747887033, gnomAD 0.003%). This missense change has been observed in individual(s) with clinical features of retinitis pigmentosa (internal data). ClinVar contains an entry for this variant (Variation ID: 906329). An algorithm developed to predict the effect of missense changes on protein structure and function (PolyPhen-2) suggests that this variant is likely to be disruptive. In summary, the available evidence is currently insufficient to determine the role of this variant in disease. Therefore, it has been classified as a Variant of Uncertain Significance.

Revvity Omics, Revvity
Classification: Uncertain significance for Wagner disease. Last evaluated: 2022-12-05. Review status: criteria provided, single submitter. Criteria: ACMG Guidelines, 2015. Collection method: clinical testing. Allele origin: germline.

Illumina Laboratory Services, Illumina
Classification: Uncertain significance for Wagner disease. Last evaluated: 2018-01-13. Review status: criteria provided, single submitter. Criteria: ICSL Variant Classification Criteria 13 December 2019. Collection method: clinical testing. Allele origin: germline.

Illumina Laboratory Services, Illumina
Classification: Uncertain significance for Vitreoretinopathy. Last evaluated: 2018-01-13. Review status: criteria provided, single submitter. Criteria: ICSL Variant Classification Criteria 13 December 2019. Collection method: clinical testing. Allele origin: germline.